The following is an entry in ClinVar:

ClinVar aggregate classification (germline): Uncertain significance (1 of 4 stars; one submission).

Allele frequency attached by ClinVar (database versions not stated): gnomAD 0.00005; TOPMed 0.00007; ESP Exome Variant Server 0.00008; ExAC 0.00009; gnomAD exomes 0.00009; 1000 Genomes Project 0.00020; 1000 Genomes Project 30x 0.00031.
gnomAD v4.1: 139 of 1,612,232 alleles (0.0086%); highest among the groups gnomAD compares: Middle Eastern, 0.017%; no homozygotes.

Submission:

Labcorp Genetics (formerly Invitae), Labcorp
Classification: Uncertain significance. Last evaluated: 2025-10-01. Review status: criteria provided, single submitter. Criteria: Invitae Variant Classification Sherloc (09022015). Collection method: clinical testing. Allele origin: germline.
Comment: This sequence change affects codon 411 of the ACTN1 mRNA. It is a 'silent' change, meaning that it does not change the encoded amino acid sequence of the ACTN1 protein. It affects a nucleotide within the consensus splice site. This variant is present in population databases (rs148397063, gnomAD 0.01%). This variant has not been reported in the literature in individuals affected with ACTN1-related conditions. ClinVar contains an entry for this variant (Variation ID: 1980996). Algorithms developed to predict the effect of sequence changes on RNA splicing suggest that this variant is not likely to affect RNA splicing. In summary, the available evidence is currently insufficient to determine the role of this variant in disease. Therefore, it has been classified as a Variant of Uncertain Significance.

NM_001130004.2(ACTN1):c.1233C>T (p.Asp411=)

Gene: ACTN1 (actinin alpha 1; minus strand). Cytogenetic location: 14q24.1.
Variant type: single nucleotide variant.
Coding change: c.1233C>T on transcript NM_001130004.2 (MANE Select); coding-DNA position 1233, C replaced by T.
Protein change: p.Asp411=; no amino-acid change (aspartic acid 411 retained).
Molecular consequence: synonymous variant.
Genome position (GRCh38, 1-based): chr14:68,890,140, G>A on the plus strand (C>T on the coding strand, the complement: ACTN1 is on the minus strand). VCF-style: chr14-68890140-G-A. GRCh37 (hg19) VCF-style: chr14-69356857-G-A.
Other names: c.1233C>T, p.Asp411= (NM_001102.4, NM_001130005.2, NM_001411035.1); c.1038C>T, p.Asp346= (NM_001411036.1).
Identifiers: ClinVar variation 1980996 (VCV001980996.4), dbSNP rs148397063, ClinGen allele CA7242440.
Genomic context (GRCh38, chr14:68,890,140, plus strand): 5'-GGGCTGAAGAGTAGGGAAGTGAAGCCCTGGGGGGAGGCAGGAGGCTGGGCTGGCCTCACC[G>A]TCAGTCCAGGCCTCGTGGATGGAGGCCTTCTGCCGGAACTTCTCTGCCAGGTGGTCCAGT-3'
Protein context (NP_001123476.1, residues 401-421): QKASIHEAWT[Asp411=]GKEAMLRQKD